The following is an entry in ClinVar:

NM_000383.4(AIRE):c.1451T>C (p.Val484Ala)

Gene: AIRE (autoimmune regulator; plus strand). Cytogenetic location: 21q22.3.
Variant type: single nucleotide variant.
Coding change: c.1451T>C on transcript NM_000383.4 (MANE Select); coding-DNA position 1451, T replaced by C.
Protein change: p.Val484Ala; replaces valine 484 with alanine.
Molecular consequence: missense variant.
Genome position (GRCh38, 1-based): chr21:44,294,451, T>C. VCF-style: chr21-44294451-T-C. GRCh37 (hg19) VCF-style: chr21-45714334-T-C.
Other names: short protein forms V484A.
Identifiers: ClinVar variation 2081349 (VCV002081349.3), dbSNP rs769470638, ClinGen allele CA10052135.

ClinVar aggregate classification (germline): Uncertain significance (1 of 4 stars; one submission).

Conditions:
Polyglandular autoimmune syndrome, type 1 (APS1). Also called: Whitaker syndrome; AUTOIMMUNE POLYENDOCRINE SYNDROME, TYPE I, WITH OR WITHOUT REVERSIBLE METAPHYSEAL DYSPLASIA; APS I; Autoimmune polyendocrinopathy syndrome, type I; Autoimmune polyendocrinopathy syndrome , type I, with or without reversible metaphyseal dysplasia; PGA I. Identifiers: Orphanet 3453, MedGen C0085859, MONDO:0009411, OMIM 240300.

Allele frequency attached by ClinVar (database versions not stated): gnomAD 0.00001; gnomAD exomes 0.00001; ExAC 0.00003; TOPMed 0.00003.

Submission:

Labcorp Genetics (formerly Invitae), Labcorp
Classification: Uncertain significance for Polyglandular autoimmune syndrome, type 1. Last evaluated: 2024-10-21. Review status: criteria provided, single submitter. Criteria: Invitae Variant Classification Sherloc (09022015). Collection method: clinical testing. Allele origin: germline.
Comment: This sequence change replaces valine, which is neutral and non-polar, with alanine, which is neutral and non-polar, at codon 484 of the AIRE protein (p.Val484Ala). This variant is present in population databases (rs769470638, gnomAD 0.02%). This missense change has been observed in individual(s) with clinical features of AIRE-related conditions (PMID: 26084028). ClinVar contains an entry for this variant (Variation ID: 2081349). Invitae Evidence Modeling of protein sequence and biophysical properties (such as structural, functional, and spatial information, amino acid conservation, physicochemical variation, residue mobility, and thermodynamic stability) indicates that this missense variant is not expected to disrupt AIRE protein function with a negative predictive value of 95%. In summary, the available evidence is currently insufficient to determine the role of this variant in disease. Therefore, it has been classified as a Variant of Uncertain Significance.

Literature cited by the submitters: PubMed 26084028.